The following is an entry in ClinVar:

NM_030777.4(SLC2A10):c.1274T>C (p.Phe425Ser)

Gene: SLC2A10 (solute carrier family 2 member 10; plus strand). Cytogenetic location: 20q13.12.
Variant type: single nucleotide variant.
Coding change: c.1274T>C on transcript NM_030777.4 (MANE Select); coding-DNA position 1274, T replaced by C.
Protein change: p.Phe425Ser; replaces phenylalanine 425 with serine.
Molecular consequence: missense variant.
Genome position (GRCh38, 1-based): chr20:46,726,310, T>C. VCF-style: chr20-46726310-T-C. GRCh37 (hg19) VCF-style: chr20-45354949-T-C.
Other names: short protein forms F425S.
Identifiers: ClinVar variation 263824 (VCV000263824.10), dbSNP rs546176728, ClinGen allele CA9892139.

ClinVar aggregate classification (germline): Uncertain significance. Review status: criteria provided, multiple submitters, no conflicts (2 of 4 stars). 3 submissions from 3 submitters: Uncertain significance (3). Last evaluated 2021-08-31.

Conditions:
Familial thoracic aortic aneurysm and aortic dissection (TAAD). Also called: Thoracic aortic aneurysms and dissections. Identifiers: Orphanet 91387, MedGen C4707243, MONDO:0019625.
Arterial tortuosity syndrome (ATORS). Identifiers: Orphanet 3342, MedGen C1859726, MONDO:0008818, OMIM 208050.
Cardiovascular phenotype. Identifiers: MedGen CN230736.

Allele frequency attached by ClinVar (database versions not stated): ExAC 0.00001; gnomAD 0.00001; gnomAD exomes 0.00001 and 0.00002; TOPMed 0.00001.
gnomAD v4.1: 13 of 1,609,680 alleles (0.00081%); highest among the groups gnomAD compares: Non-Finnish European, 0.0011%; no homozygotes.

Submissions (3):

Labcorp Genetics (formerly Invitae), Labcorp
Classification: Uncertain significance for Arterial tortuosity syndrome. Last evaluated: 2021-08-31. Review status: criteria provided, single submitter. Criteria: Invitae Variant Classification Sherloc (09022015). Collection method: clinical testing. Allele origin: germline.
Comment: This sequence change replaces phenylalanine with serine at codon 425 of the SLC2A10 protein (p.Phe425Ser). The phenylalanine residue is moderately conserved and there is a large physicochemical difference between phenylalanine and serine. This variant is present in population databases (rs546176728, ExAC 0.002%). This variant has not been reported in the literature in individuals affected with SLC2A10-related conditions. ClinVar contains an entry for this variant (Variation ID: 263824). Algorithms developed to predict the effect of missense changes on protein structure and function are either unavailable or do not agree on the potential impact of this missense change (SIFT: "Tolerated"; PolyPhen-2: "Possibly Damaging"; Align-GVGD: "Class C15"). In summary, the available evidence is currently insufficient to determine the role of this variant in disease. Therefore, it has been classified as a Variant of Uncertain Significance.

CHEO Genetics Diagnostic Laboratory, Children's Hospital of Eastern Ontario
Classification: Uncertain significance for Familial thoracic aortic aneurysm and aortic dissection. Last evaluated: 2020-03-18. Review status: criteria provided, single submitter. Criteria: ACMG Guidelines, 2015. Collection method: clinical testing. Allele origin: germline.

Ambry Genetics
Classification: Uncertain significance for Cardiovascular phenotype. Last evaluated: 2014-03-19. Review status: criteria provided, single submitter. Criteria: Ambry Autosomal Dominant and X-Linked criteria (10/2015). Collection method: clinical testing. Allele origin: germline. Observed: 1 variant allele.
Comment: The p.F425S variant (also known as c.1274T>C), located in coding exon 2 of the SLC2A10 gene, results from a T to C substitution at nucleotide position 1274. The phenylalanine at codon 425 is replaced by serine, an amino acid with highly dissimilar properties. This variant was not reported in population-based cohorts in the following databases: Database of Single Nucleotide Polymorphisms (dbSNP), NHLBI Exome Sequencing Project (ESP), and 1000 Genomes Project. Based on protein sequence alignment, this amino acid position is not well conserved in available vertebrate species. In addition, this alteration is predicted to be benign by PolyPhen but deleterious by SIFT in silico analyses. Since supporting evidence is limited at this time, the clinical significance of this variant remains unclear.